The following is an entry in ClinVar:

ClinVar aggregate classification (germline): Uncertain significance (1 of 4 stars; one submission).

Conditions:
Cardiovascular phenotype. Identifiers: MedGen CN230736.

Allele frequency attached by ClinVar (database versions not stated): ExAC 0.00001; gnomAD 0.00001; gnomAD exomes 0.00001; TOPMed 0.00001; ESP Exome Variant Server 0.00013.
gnomAD v4.1: 9 of 1,612,822 alleles (0.00056%); highest among the groups gnomAD compares: South Asian, 0.0011%; no homozygotes.

Submission:

Ambry Genetics
Classification: Uncertain significance for Cardiovascular phenotype. Last evaluated: 2022-12-09. Review status: criteria provided, single submitter. Criteria: Ambry Variant Classification Scheme 2023. Collection method: clinical testing. Allele origin: germline.
Comment: The p.R2918H variant (also known as c.8753G>A), located in coding exon 24 of the TNXB gene, results from a G to A substitution at nucleotide position 8753. The arginine at codon 2918 is replaced by histidine, an amino acid with highly similar properties. This amino acid position is highly conserved in available vertebrate species. In addition, this alteration is predicted to be tolerated by in silico analysis. Since supporting evidence is limited at this time, the clinical significance of this alteration remains unclear.

NM_001365276.2(TNXB):c.8759G>A (p.Arg2920His)

Gene: TNXB (tenascin XB; minus strand). Cytogenetic location: 6p21.33.
Variant type: single nucleotide variant.
Coding change: c.8759G>A on transcript NM_001365276.2 (MANE Select); coding-DNA position 8759, G replaced by A.
Protein change: p.Arg2920His; replaces arginine 2920 with histidine.
Molecular consequence: missense variant.
Genome position (GRCh38, 1-based): chr6:32,053,420, C>T on the plus strand (G>A on the coding strand, the complement: TNXB is on the minus strand). VCF-style: chr6-32053420-C-T. GRCh37 (hg19) VCF-style: chr6-32021197-C-T.
Other names: c.8753G>A, p.Arg2918His (NM_019105.8); short protein forms R2918H, R2920H.
Identifiers: ClinVar variation 2451121 (VCV002451121.2), dbSNP rs371669336, ClinGen allele CA3733757.